The following is an entry in ClinVar:

NM_004006.3(DMD):c.2173G>A (p.Asp725Asn)

Gene: DMD (dystrophin; minus strand). Cytogenetic location: Xp21.1.
Variant type: single nucleotide variant.
Coding change: c.2173G>A on transcript NM_004006.3 (MANE Select); coding-DNA position 2173, G replaced by A.
Protein change: p.Asp725Asn; replaces aspartic acid 725 with asparagine.
Molecular consequence: missense variant.
Genome position (GRCh38, 1-based): chrX:32,518,127, C>T on the plus strand (G>A on the coding strand, the complement: DMD is on the minus strand). VCF-style: chrX-32518127-C-T. GRCh37 (hg19) VCF-style: chrX-32536244-C-T.
Other names: c.2149G>A, p.Asp717Asn (NM_000109.4); c.2161G>A, p.Asp721Asn (NM_004009.3); c.1804G>A, p.Asp602Asn (NM_004010.3); short protein forms D602N, D717N, D721N, D725N.
Identifiers: ClinVar variation 3669910 (VCV003669910.2).

ClinVar aggregate classification (germline): Uncertain significance (1 of 4 stars; one submission).

Conditions:
Duchenne muscular dystrophy (DMD). Also called: MUSCULAR DYSTROPHY, PSEUDOHYPERTROPHIC PROGRESSIVE, DUCHENNE TYPE; Duchenne Muscular Dystrophy (DMD). Identifiers: Orphanet 98896, MedGen C0013264, MONDO:0010679, OMIM 310200.

Submission:

Labcorp Genetics (formerly Invitae), Labcorp
Classification: Uncertain significance for Duchenne muscular dystrophy. Last evaluated: 2025-11-21. Review status: criteria provided, single submitter. Criteria: Invitae Variant Classification Sherloc (09022015). Collection method: clinical testing. Allele origin: germline.
Comment: This sequence change replaces aspartic acid, which is acidic and polar, with asparagine, which is neutral and polar, at codon 725 of the DMD protein (p.Asp725Asn). This variant is not present in population databases (gnomAD no frequency). This variant has not been reported in the literature in individuals affected with DMD-related conditions. ClinVar contains an entry for this variant (Variation ID: 3669910). Invitae Evidence Modeling of protein sequence and biophysical properties (such as structural, functional, and spatial information, amino acid conservation, physicochemical variation, residue mobility, and thermodynamic stability) indicates that this missense variant is not expected to disrupt DMD protein function with a negative predictive value of 95%. In summary, the available evidence is currently insufficient to determine the role of this variant in disease. Therefore, it has been classified as a Variant of Uncertain Significance.